The following is an entry in ClinVar:

ClinVar aggregate classification (germline): Pathogenic. Review status: criteria provided, multiple submitters, no conflicts (2 of 4 stars). 4 submissions from 4 submitters: Pathogenic (4). Last evaluated 2025-06-26.

Conditions:
Inborn genetic diseases. Identifiers: MedGen C0950123, MeSH D030342.

Allele frequency attached by ClinVar (database versions not stated): ExAC 0.00005; gnomAD exomes 0.00008 and 0.00034; TOPMed 0.00013; gnomAD 0.00015; ESP Exome Variant Server 0.00031.
gnomAD v4.1: 503 of 1,613,434 alleles (0.031%); highest among the groups gnomAD compares: Non-Finnish European, 0.042%; no homozygotes.

Submissions (4):

Labcorp Genetics (formerly Invitae), Labcorp
Classification: Pathogenic. Last evaluated: 2025-06-26. Review status: criteria provided, single submitter. Criteria: Invitae Variant Classification Sherloc (09022015). Collection method: clinical testing. Allele origin: germline.
Comment: This sequence change creates a premature translational stop signal (p.Glu27*) in the TRMT10A gene. It is expected to result in an absent or disrupted protein product. Loss-of-function variants in TRMT10A are known to be pathogenic (PMID: 24204302, 26535115). The frequency data for this variant in the population databases is considered unreliable, as metrics indicate poor data quality at this position in the gnomAD database. This premature translational stop signal has been observed in individual(s) with clinical features of microcephaly, short stature, and impaired glucose metabolism (PMID: 26526202). It has also been observed to segregate with disease in related individuals. ClinVar contains an entry for this variant (Variation ID: 593751). For these reasons, this variant has been classified as Pathogenic.

GeneDx
Classification: Pathogenic. Last evaluated: 2024-03-15. Review status: criteria provided, single submitter. Criteria: GeneDx Variant Classification Process June 2021. Collection method: clinical testing. Allele origin: germline. Affected: yes.
Comment: Nonsense variant predicted to result in protein truncation or nonsense mediated decay in a gene for which loss of function is a known mechanism of disease; This variant is associated with the following publications: (PMID: 34426522, 26526202, 31345219, 34789499)

Ambry Genetics
Classification: Pathogenic for Inborn genetic diseases. Last evaluated: 2022-02-15. Review status: criteria provided, single submitter. Criteria: Ambry Variant Classification Scheme 2023. Collection method: clinical testing. Allele origin: germline.
Comment: The c.79G>T (p.E27*) alteration, located in exon 2 (coding exon 1) of the TRMT10A gene, consists of a G to T substitution at nucleotide position 79. This changes the amino acid from a glutamic acid (E) to a stop codon at amino acid position 27. This alteration is expected to result in loss of function by premature protein truncation or nonsense-mediated mRNA decay. This alteration was reported in the homozygous state in two siblings with features of microcephaly, epilepsy, developmental delay, intellectual disability, and diabetes (Yew, 2016). Based on the available evidence, this alteration is classified as pathogenic.

Eurofins Ntd Llc (ga)
Classification: Pathogenic. Last evaluated: 2017-08-21. Review status: criteria provided, single submitter. Criteria: EGL Classification Definitions 2015. Collection method: clinical testing. Allele origin: germline. Observed: 1 variant allele, 1 heterozygote.

Literature cited by the submitters: PubMed 24204302 (cited by Labcorp Genetics (formerly Invitae), Labcorp); PubMed 26535115 (cited by Labcorp Genetics (formerly Invitae), Labcorp); PubMed 26526202 (cited by Labcorp Genetics (formerly Invitae), Labcorp and Ambry Genetics).

NM_001134665.3(TRMT10A):c.79G>T (p.Glu27Ter)

Gene: TRMT10A (tRNA methyltransferase 10A; minus strand). Cytogenetic location: 4q23.
Variant type: single nucleotide variant.
Coding change: c.79G>T on transcript NM_001134665.3 (MANE Select); coding-DNA position 79, G replaced by T.
Protein change: p.Glu27Ter; replaces glutamic acid 27 with a stop codon.
Molecular consequence: nonsense.
Genome position (GRCh38, 1-based): chr4:99,559,260, C>A on the plus strand (G>T on the coding strand, the complement: TRMT10A is on the minus strand). VCF-style: chr4-99559260-C-A. GRCh37 (hg19) VCF-style: chr4-100480417-C-A.
Other names: c.79G>T, p.Glu27Ter (NM_001134666.3, NM_152292.5); short protein forms E27*.
Identifiers: ClinVar variation 593751 (VCV000593751.18), dbSNP rs142895837, ClinGen allele CA3021644.